The following is an entry in ClinVar:

NM_198999.3(SLC26A5):c.195del (p.Pro66_Ile67insTer)

Gene: SLC26A5 (solute carrier family 26 member 5; minus strand). Cytogenetic location: 7q22.1.
Variant type: Deletion.
Coding change: c.195del on transcript NM_198999.3 (MANE Select); coding-DNA position 195, one base deleted (A; older notation c.195delA).
Protein change: p.Pro66_Ile67insTer.
Molecular consequence: frameshift variant. On other transcripts: non-coding transcript variant (5).
Genome position (GRCh38, 1-based): chr7:103,420,835, T deleted on the plus strand (A on the coding strand, the reverse complement: SLC26A5 is on the minus strand). VCF-style (leftmost placement, unchanged base first): chr7-103420834-GT-G. GRCh37 (hg19) VCF-style: chr7-103061281-GT-G.
Other names: c.195del, p.Pro66_Ile67insTer (NM_001167962.2, NM_001321787.2, NM_206883.3 and 2 more transcripts).
Identifiers: ClinVar variation 3645849 (VCV003645849.2).

ClinVar aggregate classification (germline): Pathogenic (1 of 4 stars; one submission).

Submission:

Labcorp Genetics (formerly Invitae), Labcorp
Classification: Pathogenic. Last evaluated: 2024-03-13. Review status: criteria provided, single submitter. Criteria: Invitae Variant Classification Sherloc (09022015). Collection method: clinical testing. Allele origin: germline.
Comment: This sequence change creates a premature translational stop signal (p.Ile67*) in the SLC26A5 gene. It is expected to result in an absent or disrupted protein product. Loss-of-function variants in SLC26A5 are known to be pathogenic (PMID: 12239568, 24164807). This variant is not present in population databases (gnomAD no frequency). This variant has not been reported in the literature in individuals affected with SLC26A5-related conditions. For these reasons, this variant has been classified as Pathogenic.

Literature cited by the submitters: PubMed 12239568; PubMed 24164807.